The following is an entry in ClinVar:

NM_000903.3(NQO1):c.400G>A (p.Asp134Asn)

Gene: NQO1 (NAD(P)H quinone dehydrogenase 1; minus strand). Cytogenetic location: 16q22.1.
Variant type: single nucleotide variant.
Coding change: c.400G>A on transcript NM_000903.3 (MANE Select); coding-DNA position 400, G replaced by A.
Protein change: p.Asp134Asn; replaces aspartic acid 134 with asparagine.
Molecular consequence: missense variant. On other transcripts: intron variant (2).
Genome position (GRCh38, 1-based): chr16:69,714,981, C>T on the plus strand (G>A on the coding strand, the complement: NQO1 is on the minus strand). VCF-style: chr16-69714981-C-T. GRCh37 (hg19) VCF-style: chr16-69748884-C-T.
Other names: c.400G>A, p.Asp134Asn (NM_001025433.2); c.303+3142G>A (NM_001286137.2); c.304-1852G>A (NM_001025434.2); short protein forms D134N.
Identifiers: ClinVar variation 1737007 (VCV001737007.2), dbSNP rs1259053957, ClinGen allele CA396488822.

ClinVar aggregate classification (germline): Uncertain significance (1 of 4 stars; one submission).

Allele frequency attached by ClinVar (database versions not stated): TOPMed below 0.00001; gnomAD 0.00001.
gnomAD v4.1: 1 of 1,613,376 alleles (0.000062%); highest among the groups gnomAD compares: Non-Finnish European, 0.000085%; no homozygotes.

Submission:

Ambry Genetics
Classification: Uncertain significance. Last evaluated: 2022-03-04. Review status: criteria provided, single submitter. Criteria: Ambry Variant Classification Scheme 2023. Collection method: clinical testing. Allele origin: germline.
Comment: The p.D134N variant (also known as c.400G>A), located in coding exon 4 of the NQO1 gene, results from a G to A substitution at nucleotide position 400. The aspartic acid at codon 134 is replaced by asparagine, an amino acid with highly similar properties. This amino acid position is conserved. In addition, this alteration is predicted to be tolerated by in silico analysis. Since supporting evidence is limited at this time, the clinical significance of this alteration remains unclear.